The following is an entry in ClinVar:

ClinVar aggregate classification (germline): Likely benign. Review status: reviewed by expert panel (3 of 4 stars). 7 submissions from 7 submitters: Likely benign (1). 6 of the submissions do not count toward it. Last evaluated 2022-05-18.

Conditions:
DICER1-related tumor predisposition. Also called: DICER1 syndrome; DICER1-related pleuropulmonary blastoma cancer predisposition syndrome. Identifiers: Orphanet 284343, MedGen C3839822, MONDO:0100216.
DICER1-related disorder. Also called: DICER1-related condition.
Hereditary cancer-predisposing syndrome. Also called: Tumor predisposition; Hereditary neoplastic syndrome; Neoplastic Syndromes, Hereditary; Hereditary Cancer Syndrome. Identifiers: Orphanet 140162, MedGen C0027672, MeSH D009386, MONDO:0015356.

Allele frequency attached by ClinVar (database versions not stated): gnomAD exomes 0.00015 and 0.00006; gnomAD 0.00013; ESP Exome Variant Server 0.00008; TOPMed 0.00015; ExAC 0.00005.
gnomAD v4.1: 234 of 1,614,128 alleles (0.014%); highest among the groups gnomAD compares: Non-Finnish European, 0.018%; no homozygotes.

Submissions (7):

ClinGen DICER1 and miRNA-Processing Gene Variant Curation Expert Panel, ClinGen
Classification: Likely benign for DICER1-related tumor predisposition. Last evaluated: 2022-05-18. Review status: reviewed by expert panel. Criteria: ClinGen DICER1 ACMG Specifications DICER1 v1. Collection method: curation. Allele origin: germline. Inheritance: Autosomal dominant inheritance.
Comment: The NM_177438.2:c.4647C>T (p.His1549=) variant is a synonymous (silent) variant that is not predicted by MaxEntScan or SpliceAI to impact splicing (BP4, BP7). This variant has been seen in 40 or more unrelated females without tumors through age 50 in at least one testing laboratory (SCV000661822.3, SCV000563438.6) (BS2). In summary, this variant meets the criteria to be classified as Likely Benign for DICER1 syndrome based on the ACMG/AMP criteria applied, as specified by the ClinGen DICER1 VCEP: BP7, BP4, BS2. (Bayesian Points: -6; VCEP specifications version 1; 02/11/2022)

Myriad Genetics, Inc.
Classification: Benign for DICER1-related tumor predisposition. Last evaluated: 2026-04-20. Review status: criteria provided, single submitter. Criteria: Myriad Autosomal Dominant, Autosomal Recessive and X-Linked Classification Criteria (2023). Collection method: clinical testing. Allele origin: unknown. Not counted in ClinVar's aggregate classification.
Comment: This variant is considered benign. This variant is a silent/synonymous amino acid change and it is not expected to impact splicing.

Labcorp Genetics (formerly Invitae), Labcorp
Classification: Benign for DICER1-related tumor predisposition. Last evaluated: 2026-02-04. Review status: criteria provided, single submitter. Criteria: Invitae Variant Classification Sherloc (09022015). Collection method: clinical testing. Allele origin: germline. Not counted in ClinVar's aggregate classification.

Quest Diagnostics Nichols Institute San Juan Capistrano
Classification: Uncertain significance. Last evaluated: 2024-02-02. Review status: criteria provided, single submitter. Criteria: Quest Diagnostics criteria. Collection method: clinical testing. Allele origin: unknown. Not counted in ClinVar's aggregate classification.
Comment: The DICER1 c.4647C>T (p.His1549=) synonymous variant has been reported in the published literature in reportedly healthy individual(s) in a community health initiative study (PMID: 33630087 (2021)). The frequency of this variant in the general population, 0.00024 (12/50800 chromosomes (Genome Aggregation Database)), is uninformative in the assessment of its pathogenicity. Analysis of this variant using software algorithms for the prediction of the effect of nucleotide changes on splicing yielded predictions that this variant does not affect DICER1 mRNA splicing. Based on the available information, we are unable to determine the clinical significance of this variant.

Sema4
Classification: Likely benign for Hereditary cancer-predisposing syndrome. Last evaluated: 2021-05-21. Review status: criteria provided, single submitter. Criteria: Sema4 Curation Guidelines. Collection method: curation. Allele origin: germline. Not counted in ClinVar's aggregate classification.

Ambry Genetics
Classification: Likely benign for Hereditary cancer-predisposing syndrome. Last evaluated: 2017-02-23. Review status: criteria provided, single submitter. Criteria: Ambry Variant Classification Scheme 2023. Collection method: clinical testing. Allele origin: germline. Not counted in ClinVar's aggregate classification.

PreventionGenetics, part of Exact Sciences
Classification: Likely benign for DICER1-related condition. Last evaluated: 2024-04-11. Review status: no assertion criteria provided. Collection method: clinical testing. Allele origin: germline. Not counted in ClinVar's aggregate classification.
Comment: This variant is classified as likely benign based on ACMG/AMP sequence variant interpretation guidelines (Richards et al. 2015 PMID: 25741868, with internal and published modifications).

Literature cited by the submitters: PubMed 38084291 (cited by Quest Diagnostics Nichols Institute San Juan Capistrano); PubMed 33630087 (cited by Quest Diagnostics Nichols Institute San Juan Capistrano); PubMed 28748527 (cited by Quest Diagnostics Nichols Institute San Juan Capistrano).

NM_177438.3(DICER1):c.4647C>T (p.His1549=)

Gene: DICER1 (dicer 1, ribonuclease III; minus strand). Cytogenetic location: 14q32.13.
Variant type: single nucleotide variant.
Coding change: c.4647C>T on transcript NM_177438.3 (MANE Select); coding-DNA position 4647, C replaced by T.
Protein change: p.His1549=; no amino-acid change (histidine 1549 retained).
Molecular consequence: synonymous variant.
Genome position (GRCh38, 1-based): chr14:95,096,273, G>A on the plus strand (C>T on the coding strand, the complement: DICER1 is on the minus strand). VCF-style: chr14-95096273-G-A. GRCh37 (hg19) VCF-style: chr14-95562610-G-A.
Other names: NM_177438.2(DICER1):c.4647C>T; p.His1549=; c.4647C>T, p.His1549= (NM_001195573.1, NM_001271282.3, NM_001291628.2 and 1 more transcripts).
Identifiers: ClinVar variation 417113 (VCV000417113.21), dbSNP rs201415999, ClinGen allele CA7330821.